The following is an entry in ClinVar:

ClinVar aggregate classification (germline): Uncertain significance (1 of 4 stars; one submission).

Conditions:
Wilms tumor 1 (WT1). Also called: Wilms tumor, somatic. Identifiers: Orphanet 654, MedGen CN033288, MONDO:0008679, OMIM 194070.

gnomAD v4.1: 1 of 1,203,279 alleles (0.000083%); highest among the groups gnomAD compares: South Asian, 0.0018%; no homozygotes.

Submission:

Labcorp Genetics (formerly Invitae), Labcorp
Classification: Uncertain significance for Wilms tumor 1. Last evaluated: 2023-09-27. Review status: criteria provided, single submitter. Criteria: Invitae Variant Classification Sherloc (09022015). Collection method: clinical testing. Allele origin: germline.
Comment: This sequence change replaces glutamic acid, which is acidic and polar, with glycine, which is neutral and non-polar, at codon 504 of the GPC3 protein (p.Glu504Gly). This variant is not present in population databases (gnomAD no frequency). This variant has not been reported in the literature in individuals affected with GPC3-related conditions. Advanced modeling of protein sequence and biophysical properties (such as structural, functional, and spatial information, amino acid conservation, physicochemical variation, residue mobility, and thermodynamic stability) performed at Invitae indicates that this missense variant is not expected to disrupt GPC3 protein function. In summary, the available evidence is currently insufficient to determine the role of this variant in disease. Therefore, it has been classified as a Variant of Uncertain Significance.

NM_004484.4(GPC3):c.1511A>G (p.Glu504Gly)

Gene: GPC3 (glypican 3; minus strand). Cytogenetic location: Xq26.2.
Variant type: single nucleotide variant.
Coding change: c.1511A>G on transcript NM_004484.4 (MANE Select); coding-DNA position 1511, A replaced by G.
Protein change: p.Glu504Gly; replaces glutamic acid 504 with glycine.
Molecular consequence: missense variant.
Genome position (GRCh38, 1-based): chrX:133,596,502, T>C on the plus strand (A>G on the coding strand, the complement: GPC3 is on the minus strand). VCF-style: chrX-133596502-T-C. GRCh37 (hg19) VCF-style: chrX-132730530-T-C.
Other names: c.1580A>G, p.Glu527Gly (NM_001164617.2); c.1463A>G, p.Glu488Gly (NM_001164618.2); c.1349A>G, p.Glu450Gly (NM_001164619.2); short protein forms E450G, E527G, E488G, E504G.
Identifiers: ClinVar variation 2763830 (VCV002763830.3), dbSNP rs2520747314, ClinGen allele CA414701047.